The following is an entry in ClinVar:

ClinVar aggregate classification (germline): Uncertain significance (1 of 4 stars; one submission).

Submission:

Labcorp Genetics (formerly Invitae), Labcorp
Classification: Uncertain significance. Last evaluated: 2023-02-08. Review status: criteria provided, single submitter. Criteria: Invitae Variant Classification Sherloc (09022015). Collection method: clinical testing. Allele origin: germline.
Comment: This variant is not present in population databases (gnomAD no frequency). This variant has not been reported in the literature in individuals affected with COL4A3-related conditions. Algorithms developed to predict the effect of sequence changes on RNA splicing suggest that this variant may disrupt the consensus splice site. In summary, the available evidence is currently insufficient to determine the role of this variant in disease. Therefore, it has been classified as a Variant of Uncertain Significance. This sequence change falls in intron 24 of the COL4A3 gene. It does not directly change the encoded amino acid sequence of the COL4A3 protein.

NM_000091.5(COL4A3):c.1576-9C>G

Genes: COL4A3 (collagen type IV alpha 3 chain; plus strand), MFF-DT (MFF divergent transcript; minus strand). Cytogenetic location: 2q36.3.
Variant type: single nucleotide variant.
Coding change: c.1576-9C>G on transcript NM_000091.5 (MANE Select); 9 bases into the intron before coding-DNA position 1576, C replaced by G.
Molecular consequence: intron variant.
Genome position (GRCh38, 1-based): chr2:227,270,761, C>G. VCF-style: chr2-227270761-C-G. GRCh37 (hg19) VCF-style: chr2-228135477-C-G.
Identifiers: ClinVar variation 2998117 (VCV002998117.3), dbSNP rs2071186705, ClinGen allele CA2740096494.
Genomic context (GRCh38, chr2:227,270,761, plus strand): 5'-TGTTTTTAAGATTGACAGAAGAAGAATTCTAACAAAATACAATACAGATTCATTTGTGTA[C>G]TACCCTAGGGTTTCCCAGGTGCCCAGGGTGACCCAGGACTTAAAGGAGAAAAAGGTGAAA-3'